The following is an entry in ClinVar:

ClinVar aggregate classification (germline): Benign/Likely benign. Review status: criteria provided, multiple submitters, no conflicts (2 of 4 stars). 7 submissions from 7 submitters: Benign (1); Likely benign (3). 3 of the submissions do not count toward it. Last evaluated 2026-04-01.

Conditions:
C6-related disorder. Also called: C6-related condition.

Allele frequency attached by ClinVar (database versions not stated): gnomAD exomes 0.00033 and 0.00088; ExAC 0.00110; gnomAD 0.00302 and 0.00325; 1000 Genomes Project 30x 0.00312; 1000 Genomes Project 0.00319; TOPMed 0.00322; ESP Exome Variant Server 0.00431.
gnomAD v4.1: 968 of 1,613,664 alleles (0.06%); highest among the groups gnomAD compares: African/African-American, 1.1%; 10 homozygotes.

Submissions (7):

CeGaT Center for Human Genetics Tuebingen
Classification: Likely benign. Last evaluated: 2026-04-01. Review status: criteria provided, single submitter. Criteria: CeGaT Center For Human Genetics Tuebingen Variant Classification Criteria Version 2. Collection method: clinical testing. Allele origin: germline. Affected: yes. Observed: 1 variant allele.
Comment: C6: BP4, BS1

Labcorp Genetics (formerly Invitae), Labcorp
Classification: Benign. Last evaluated: 2026-01-22. Review status: criteria provided, single submitter. Criteria: Invitae Variant Classification Sherloc (09022015). Collection method: clinical testing. Allele origin: germline.

Women's Health and Genetics/Laboratory Corporation of America, LabCorp
Classification: Likely benign. Last evaluated: 2026-01-22. Review status: criteria provided, single submitter. Criteria: LabCorp Variant Classification Summary - May 2015. Collection method: clinical testing. Allele origin: germline.

Blueprint Genetics
Classification: Likely benign. Last evaluated: 2024-11-20. Review status: criteria provided, single submitter. Criteria: ACMG Guidelines, 2015. Collection method: clinical testing. Allele origin: germline.

PreventionGenetics, part of Exact Sciences
Classification: Benign for C6-related condition. Last evaluated: 2019-07-08. Review status: no assertion criteria provided. Collection method: clinical testing. Allele origin: germline. Not counted in ClinVar's aggregate classification.
Comment: This variant is classified as benign based on ACMG/AMP sequence variant interpretation guidelines (Richards et al. 2015 PMID: 25741868, with internal and published modifications).

Clinical Genetics DNA and cytogenetics Diagnostics Lab, Erasmus MC, Erasmus Medical Center
Classification: Benign. Review status: no assertion criteria provided. Collection method: clinical testing. Allele origin: germline. Affected: yes. Study: VKGL Data-share Consensus. Not counted in ClinVar's aggregate classification.

Genome Diagnostics Laboratory, University Medical Center Utrecht
Classification: Likely benign. Review status: no assertion criteria provided. Collection method: clinical testing. Allele origin: germline. Affected: yes. Study: VKGL Data-share Consensus. Not counted in ClinVar's aggregate classification.

NM_000065.5(C6):c.2067C>T (p.Asp689=)

Gene: C6 (complement C6; minus strand). Cytogenetic location: 5p13.1.
Variant type: single nucleotide variant.
Coding change: c.2067C>T on transcript NM_000065.5 (MANE Select); coding-DNA position 2067, C replaced by T.
Protein change: p.Asp689=; no amino-acid change (aspartic acid 689 retained).
Molecular consequence: synonymous variant.
Genome position (GRCh38, 1-based): chr5:41,155,006, G>A on the plus strand (C>T on the coding strand, the complement: C6 is on the minus strand). VCF-style: chr5-41155006-G-A. GRCh37 (hg19) VCF-style: chr5-41155108-G-A.
Other names: c.2067C>T, p.Asp689= (NM_001115131.4); c.2067C>T (NM_000065.3).
Identifiers: ClinVar variation 1170475 (VCV001170475.17), dbSNP rs28651920, ClinGen allele CA3252229.